The following is an entry in ClinVar:

ClinVar aggregate classification (germline): Uncertain significance (1 of 4 stars; one submission).

Submission:

Labcorp Genetics (formerly Invitae), Labcorp
Classification: Uncertain significance. Last evaluated: 2025-09-13. Review status: criteria provided, single submitter. Criteria: Invitae Variant Classification Sherloc (09022015). Collection method: clinical testing. Allele origin: germline.
Comment: This sequence change creates a premature translational stop signal (p.Ile328Lysfs*24) in the ANKRD26 gene. It is expected to result in an absent or disrupted protein product. However, the current clinical and genetic evidence is not sufficient to establish whether loss-of-function variants in ANKRD26 cause disease. This variant is present in population databases (rs749858810, gnomAD 0.0009%). This variant has not been reported in the literature in individuals affected with ANKRD26-related conditions. In summary, the available evidence is currently insufficient to determine the role of this variant in disease. Therefore, it has been classified as a Variant of Uncertain Significance.

NM_014915.3(ANKRD26):c.983_986del (p.Ile328fs)

Gene: ANKRD26 (ankyrin repeat domain 26; minus strand). Cytogenetic location: 10p12.1.
Variant type: Microsatellite.
Coding change: c.983_986del on transcript NM_014915.3 (MANE Select); coding-DNA positions 983 to 986, 4 bases deleted (TCAA; older notation c.983_986delTCAA).
Protein change: p.Ile328fs; shifts the reading frame from isoleucine 328.
Molecular consequence: frameshift variant.
Genome position (GRCh38, 1-based): chr10:27,077,429-27,077,432, TTGA deleted on the plus strand (TCAA on the coding strand, the reverse complement: ANKRD26 is on the minus strand); deleting any 4 consecutive bases within chr10:27,077,429-27,077,437 gives the same sequence; the c. name uses the placement nearest the transcript's 3' end. VCF-style (leftmost placement, unchanged base first): chr10-27077428-TTTGA-T. GRCh37 (hg19) VCF-style: chr10-27366357-TTTGA-T.
Other names: c.983_986del, p.Ile328fs (NM_001256053.2); short protein forms I328fs.
Identifiers: ClinVar variation 4755260 (VCV004755260.1), dbSNP rs749858810.